The following is an entry in ClinVar:

ClinVar aggregate classification (germline): Uncertain significance (1 of 4 stars; one submission).

Conditions:
Luscan-Lumish syndrome. Identifiers: Orphanet 597738, MedGen C4085873, MONDO:0014791, OMIM 616831.

Submission:

Labcorp Genetics (formerly Invitae), Labcorp
Classification: Uncertain significance for Luscan-Lumish syndrome. Last evaluated: 2018-08-11. Review status: criteria provided, single submitter. Criteria: Invitae Variant Classification Sherloc (09022015). Collection method: clinical testing. Allele origin: germline.
Comment: In summary, the available evidence is currently insufficient to determine the role of this variant in disease. Therefore, it has been classified as a Variant of Uncertain Significance. Algorithms developed to predict the effect of missense changes on protein structure and function are either unavailable or do not agree on the potential impact of this missense change (SIFT: "Tolerated"; PolyPhen-2: "Probably Damaging"; Align-GVGD: "Class C0"). This variant has not been reported in the literature in individuals with SETD2-related disease. This variant is not present in population databases (ExAC no frequency). This sequence change replaces glycine with arginine at codon 1842 of the SETD2 protein (p.Gly1842Arg). The glycine residue is highly conserved and there is a moderate physicochemical difference between glycine and arginine.

NM_014159.7(SETD2):c.5524G>A (p.Gly1842Arg)

Gene: SETD2 (SET domain containing 2, histone lysine methyltransferase; minus strand). Cytogenetic location: 3p21.31.
Variant type: single nucleotide variant.
Coding change: c.5524G>A on transcript NM_014159.7 (MANE Select); coding-DNA position 5524, G replaced by A.
Protein change: p.Gly1842Arg; replaces glycine 1842 with arginine.
Molecular consequence: missense variant. On other transcripts: non-coding transcript variant (1).
Genome position (GRCh38, 1-based): chr3:47,084,256, C>T on the plus strand (G>A on the coding strand, the complement: SETD2 is on the minus strand). VCF-style: chr3-47084256-C-T. GRCh37 (hg19) VCF-style: chr3-47125746-C-T.
Other names: c.5392G>A, p.Gly1798Arg (NM_001349370.3); short protein forms G1798R, G1842R.
Identifiers: ClinVar variation 649731 (VCV000649731.5), dbSNP rs1575745225, ClinGen allele CA352536456.